The following is an entry in ClinVar:

ClinVar aggregate classification (germline): Uncertain significance. Review status: criteria provided, multiple submitters, no conflicts (2 of 4 stars). 2 submissions from 2 submitters: Uncertain significance (2). Last evaluated 2023-07-26.

Conditions:
Hereditary spastic paraplegia 75. Also called: Spastic paraplegia 75, autosomal recessive. Identifiers: Orphanet 459056, MedGen C4225250, MONDO:0014729, OMIM 616680.

Allele frequency attached by ClinVar (database versions not stated): gnomAD exomes 0.00002 and 0.00004; TOPMed 0.00002; ExAC 0.00003; gnomAD 0.00003; ESP Exome Variant Server 0.00008.

Submissions (2):

Mayo Clinic Laboratories, Mayo Clinic
Classification: Uncertain significance. Last evaluated: 2023-07-26. Review status: criteria provided, single submitter. Criteria: ACMG Guidelines, 2015. Collection method: clinical testing. Allele origin: germline. Observed: 1 variant allele.
Comment: BP4

Labcorp Genetics (formerly Invitae), Labcorp
Classification: Uncertain significance for Hereditary spastic paraplegia 75. Last evaluated: 2021-12-02. Review status: criteria provided, single submitter. Criteria: Invitae Variant Classification Sherloc (09022015). Collection method: clinical testing. Allele origin: germline.
Comment: In summary, the available evidence is currently insufficient to determine the role of this variant in disease. Therefore, it has been classified as a Variant of Uncertain Significance. Algorithms developed to predict the effect of missense changes on protein structure and function (SIFT, PolyPhen-2, Align-GVGD) all suggest that this variant is likely to be tolerated. This variant has not been reported in the literature in individuals affected with MAG-related conditions. This variant is present in population databases (rs138056630, gnomAD 0.004%). This sequence change replaces arginine, which is basic and polar, with histidine, which is basic and polar, at codon 563 of the MAG protein (p.Arg563His).

NM_002361.4(MAG):c.1688G>A (p.Arg563His)

Gene: MAG (myelin associated glycoprotein; plus strand). Cytogenetic location: 19q13.12.
Variant type: single nucleotide variant.
Coding change: c.1688G>A on transcript NM_002361.4 (MANE Select); coding-DNA position 1688, G replaced by A.
Protein change: p.Arg563His; replaces arginine 563 with histidine.
Molecular consequence: missense variant.
Genome position (GRCh38, 1-based): chr19:35,311,989, G>A. VCF-style: chr19-35311989-G-A. GRCh37 (hg19) VCF-style: chr19-35802892-G-A.
Other names: p.Arg563His; c.1613G>A, p.Arg538His (NM_001199216.2); c.1688G>A, p.Arg563His (NM_080600.3); short protein forms R538H, R563H.
Identifiers: ClinVar variation 1369805 (VCV001369805.9), dbSNP rs138056630, ClinGen allele CA9376362.